The following is an entry in ClinVar:

ClinVar aggregate classification (germline): Likely benign. Review status: criteria provided, multiple submitters, no conflicts (2 of 4 stars). 2 submissions from 2 submitters: Likely benign (2). Last evaluated 2025-07-02.

Conditions:
Tuberous sclerosis 1 (TSC1). Identifiers: Orphanet 805, MedGen C1854465, MONDO:0008612, OMIM 191100.

Submissions (2):

Labcorp Genetics (formerly Invitae), Labcorp
Classification: Likely benign for Tuberous sclerosis 1. Last evaluated: 2025-07-02. Review status: criteria provided, single submitter. Criteria: Invitae Variant Classification Sherloc (09022015). Collection method: clinical testing. Allele origin: germline.

Myriad Genetics, Inc.
Classification: Likely benign for Tuberous sclerosis 1. Last evaluated: 2025-04-10. Review status: criteria provided, single submitter. Criteria: Myriad Autosomal Dominant, Autosomal Recessive and X-Linked Classification Criteria (2023). Collection method: clinical testing. Allele origin: unknown.
Comment: This variant is considered likely benign. This variant is intronic and is not expected to impact mRNA splicing.

NM_000368.5(TSC1):c.1997+9C>G

Gene: TSC1 (TSC complex subunit 1; minus strand). Cytogenetic location: 9q34.13.
Variant type: single nucleotide variant.
Coding change: c.1997+9C>G on transcript NM_000368.5 (MANE Select); 9 bases into the intron after coding-DNA position 1997, C replaced by G.
Molecular consequence: intron variant.
Genome position (GRCh38, 1-based): chr9:132,905,572, G>C on the plus strand (C>G on the coding strand, the complement: TSC1 is on the minus strand). VCF-style: chr9-132905572-G-C. GRCh37 (hg19) VCF-style: chr9-135780959-G-C.
Other names: c.1634+9C>G (NM_001362177.2); c.1844+9C>G (NM_001162427.2); c.1994+9C>G (NM_001162426.2).
Identifiers: ClinVar variation 1581368 (VCV001581368.9), dbSNP rs371043832, ClinGen allele CA200888058.
Genomic context (GRCh38, chr9:132,905,572, plus strand): 5'-TCTTACACTTTCTGTACTTCACAATAAAATGGACCATTTAACACAGAAGAGAGTGCCCCA[G>C]TCCCTTACTTGTTCAGCTCCTTGCTGTGCGCGTCTGCTCCCTGCTGTATCAGTCTGTCCA-3'